The following is an entry in ClinVar:

ClinVar aggregate classification (germline): Uncertain significance. Review status: criteria provided, multiple submitters, no conflicts (2 of 4 stars). 2 submissions from 2 submitters: Uncertain significance (2). Last evaluated 2021-12-29.

Conditions:
Inborn genetic diseases. Identifiers: MedGen C0950123, MeSH D030342.
Hereditary sensory and autonomic neuropathy type 6. Also called: Neuropathy, hereditary sensory and autonomic, type VI; HSAN VI. Identifiers: Orphanet 314381, MedGen C3539003, MONDO:0013839, OMIM 614653.
Epidermolysis bullosa simplex 3, localized or generalized intermediate, with BP230 deficiency (EBS3). Also called: Epidermolysis bullosa simplex, autosomal recessive 2; Epidermolysis bullosa simplex due to BP230 deficiency. Identifiers: Orphanet 412181, MedGen C3809470, MONDO:0014180, OMIM 615425.

Allele frequency attached by ClinVar (database versions not stated): gnomAD 0.00001; gnomAD exomes 0.00001 and 0.00002; TOPMed 0.00001; ExAC 0.00002.
gnomAD v4.1: 33 of 1,613,876 alleles (0.002%); highest among the groups gnomAD compares: Non-Finnish European, 0.0027%; no homozygotes.

Submissions (2):

Labcorp Genetics (formerly Invitae), Labcorp
Classification: Uncertain significance for Epidermolysis bullosa simplex 3, localized or generalized intermediate, with BP230 deficiency; Hereditary sensory and autonomic neuropathy type 6. Last evaluated: 2021-12-29. Review status: criteria provided, single submitter. Criteria: Invitae Variant Classification Sherloc (09022015). Collection method: clinical testing. Allele origin: germline.
Comment: The DST gene has multiple clinically relevant transcripts. This variant occurs in alternate transcript NM_015548.4, and corresponds to NM_001723.5:c.*62506C>A in the primary transcript. This sequence change replaces leucine, which is neutral and non-polar, with isoleucine, which is neutral and non-polar, at codon 2638 of the DST protein (p.Leu2638Ile). This variant is present in population databases (rs762522099, gnomAD 0.003%). This variant has not been reported in the literature in individuals affected with DST-related conditions. Experimental studies and prediction algorithms are not available or were not evaluated, and the functional significance of this variant is currently unknown. In summary, the available evidence is currently insufficient to determine the role of this variant in disease. Therefore, it has been classified as a Variant of Uncertain Significance.

Ambry Genetics
Classification: Uncertain significance for Inborn genetic diseases. Last evaluated: 2020-01-13. Review status: criteria provided, single submitter. Criteria: Ambry Variant Classification Scheme 2023. Collection method: clinical testing. Allele origin: germline.
Comment: The p.L3142I variant (also known as c.9424C>A), located in coding exon 55 of the DST gene, results from a C to A substitution at nucleotide position 9424. The leucine at codon 3142 is replaced by isoleucine, an amino acid with highly similar properties. This amino acid position is well conserved in available vertebrate species. In addition, this alteration is predicted to be tolerated by in silico analysis. Since supporting evidence is limited at this time, the clinical significance of this alteration remains unclear.

NM_001374736.1(DST):c.15781C>A (p.Leu5261Ile)

Gene: DST (dystonin; minus strand). Cytogenetic location: 6p12.1.
Variant type: single nucleotide variant.
Coding change: c.15781C>A on transcript NM_001374736.1 (MANE Select); coding-DNA position 15781, C replaced by A.
Protein change: p.Leu5261Ile; replaces leucine 5261 with isoleucine.
Molecular consequence: missense variant.
Genome position (GRCh38, 1-based): chr6:56,553,011, G>T on the plus strand (C>A on the coding strand, the complement: DST is on the minus strand). VCF-style: chr6-56553011-G-T. GRCh37 (hg19) VCF-style: chr6-56417809-G-T.
Other names: c.9424C>A, p.Leu3142Ile (NM_001144769.5); c.9010C>A, p.Leu3004Ile (NM_001144770.2); c.15781C>A, p.Leu5261Ile (NM_001374722.1); c.15148C>A, p.Leu5050Ile (NM_001374729.1); c.8890C>A, p.Leu2964Ile (NM_001374730.1, NM_183380.4); c.15808C>A, p.Leu5270Ile (NM_001374734.1); c.7912C>A, p.Leu2638Ile (NM_015548.5); short protein forms L3004I, L5050I, L5261I, L5270I, L2638I, L2964I, L3142I.
Identifiers: ClinVar variation 965863 (VCV000965863.9), dbSNP rs762522099, ClinGen allele CA3867774.